The following is an entry in ClinVar:

NM_000152.5(GAA):c.1554C>G (p.Asp518Glu)

Gene: GAA (alpha glucosidase; plus strand). Cytogenetic location: 17q25.3.
Variant type: single nucleotide variant.
Coding change: c.1554C>G on transcript NM_000152.5 (MANE Select); coding-DNA position 1554, C replaced by G.
Protein change: p.Asp518Glu; replaces aspartic acid 518 with glutamic acid.
Molecular consequence: missense variant.
Genome position (GRCh38, 1-based): chr17:80,110,943, C>G. VCF-style: chr17-80110943-C-G. GRCh37 (hg19) VCF-style: chr17-78084742-C-G.
Other names: c.1554C>G, p.Asp518Glu (NM_001079803.3, NM_001079804.3, NM_001406741.1 and 1 more transcripts); short protein forms D518E.
Identifiers: ClinVar variation 4876475 (VCV004876475.1).

ClinVar aggregate classification (germline): Uncertain significance (1 of 4 stars; one submission).

Conditions:
Glycogen storage disease, type II (IOPD). Also called: Pompe Disease; CARDIOMEGALIA GLYCOGENICA DIFFUSA; GLYCOGENOSIS, GENERALIZED, CARDIAC FORM; GSD II; POMPE DISEASE, INFANTILE-ONSET; GLYCOGEN STORAGE DISEASE II, INFANTILE-ONSET. Identifiers: Orphanet 365, MedGen C0017921, MONDO:0009290, OMIM 232300.

Submission:

Genomenon, Inc
Classification: Uncertain significance for Glycogen storage disease, type II. Last evaluated: 2026-07-01. Review status: criteria provided, single submitter. Criteria: Genomenon Sequence Variant Interpretation Standards - Updated. Collection method: curation. Allele origin: germline. Affected: yes.
Comment: GAA p.Asp518Glu (c.1554C>G) is a missense variant that changes the amino acid at codon 518 from Aspartic acid to Glutamic acid. This variant has been observed in at least one proband with a GAA-related disorder (PMID:40225932). The variant is located in a mutational hotspot and/or important functional domain. It is absent or not present at a significant frequency in gnomAD. In silico models predict that this variant is possibly or probably damaging. In conclusion, we classify GAA p.Asp518Glu (c.1554C>G) as a variant of uncertain significance.

Literature cited by the submitters: PubMed 40225932.